The following is an entry in ClinVar:

NM_002470.4(MYH3):c.5160+3G>A

Gene: MYH3 (myosin heavy chain 3; minus strand). Cytogenetic location: 17p13.1.
Variant type: single nucleotide variant.
Coding change: c.5160+3G>A on transcript NM_002470.4 (MANE Select); 3 bases into the intron after coding-DNA position 5160, G replaced by A.
Molecular consequence: intron variant.
Genome position (GRCh38, 1-based): chr17:10,631,810, C>T on the plus strand (G>A on the coding strand, the complement: MYH3 is on the minus strand). VCF-style: chr17-10631810-C-T. GRCh37 (hg19) VCF-style: chr17-10535127-C-T.
Identifiers: ClinVar variation 1577972 (VCV001577972.38), dbSNP rs199942147, ClinGen allele CA8392035.

ClinVar aggregate classification (germline): Likely benign. Review status: criteria provided, multiple submitters, no conflicts (2 of 4 stars). 3 submissions from 3 submitters: Likely benign (3). Last evaluated 2026-01-02.

Allele frequency attached by ClinVar (database versions not stated): ESP Exome Variant Server 0.00008; gnomAD exomes 0.00010 and 0.00019; ExAC 0.00014; gnomAD 0.00017.
gnomAD v4.1: 176 of 1,614,044 alleles (0.011%); highest among the groups gnomAD compares: Non-Finnish European, 0.0084%; no homozygotes.

Submissions (3):

Labcorp Genetics (formerly Invitae), Labcorp
Classification: Likely benign. Last evaluated: 2026-01-02. Review status: criteria provided, single submitter. Criteria: Invitae Variant Classification Sherloc (09022015). Collection method: clinical testing. Allele origin: germline.

Blueprint Genetics
Classification: Likely benign. Last evaluated: 2024-10-17. Review status: criteria provided, single submitter. Criteria: ACMG Guidelines, 2015. Collection method: clinical testing. Allele origin: germline.

CeGaT Center for Human Genetics Tuebingen
Classification: Likely benign. Last evaluated: 2024-03-01. Review status: criteria provided, single submitter. Criteria: CeGaT Center For Human Genetics Tuebingen Variant Classification Criteria Version 2. Collection method: clinical testing. Allele origin: germline. Affected: yes. Observed: 2 variant alleles.
Comment: MYH3: BP4